The following is an entry in ClinVar:

ClinVar aggregate classification (germline): Uncertain significance (1 of 4 stars; one submission).

Allele frequency attached by ClinVar (database versions not stated): TOPMed below 0.00001.

Submission:

Labcorp Genetics (formerly Invitae), Labcorp
Classification: Uncertain significance. Last evaluated: 2023-09-17. Review status: criteria provided, single submitter. Criteria: Invitae Variant Classification Sherloc (09022015). Collection method: clinical testing. Allele origin: germline.
Comment: An algorithm developed to predict the effect of missense changes on protein structure and function (PolyPhen-2) suggests that this variant is likely to be tolerated. ClinVar contains an entry for this variant (Variation ID: 1912485). This variant has not been reported in the literature in individuals affected with PRDM13-related conditions. This variant is not present in population databases (gnomAD no frequency). This sequence change replaces alanine, which is neutral and non-polar, with valine, which is neutral and non-polar, at codon 421 of the PRDM13 protein (p.Ala421Val). In summary, the available evidence is currently insufficient to determine the role of this variant in disease. Therefore, it has been classified as a Variant of Uncertain Significance.

NM_021620.4(PRDM13):c.1262C>T (p.Ala421Val)

Gene: PRDM13 (PR/SET domain 13; plus strand). Cytogenetic location: 6q16.2.
Variant type: single nucleotide variant.
Coding change: c.1262C>T on transcript NM_021620.4 (MANE Select); coding-DNA position 1262, C replaced by T.
Protein change: p.Ala421Val; replaces alanine 421 with valine.
Molecular consequence: missense variant.
Genome position (GRCh38, 1-based): chr6:99,613,897, C>T. VCF-style: chr6-99613897-C-T. GRCh37 (hg19) VCF-style: chr6-100061773-C-T.
Other names: short protein forms A421V.
Identifiers: ClinVar variation 1912485 (VCV001912485.5), dbSNP rs1478011036, ClinGen allele CA365118034.